The following is an entry in ClinVar:

ClinVar aggregate classification (germline): Uncertain significance (1 of 4 stars; one submission).

Allele frequency attached by ClinVar (database versions not stated): gnomAD 0.00001 and 0.00002; TOPMed 0.00001; gnomAD exomes 0.00002; ExAC 0.00003.
gnomAD v4.1: 23 of 1,612,508 alleles (0.0014%); highest among the groups gnomAD compares: Middle Eastern, 0.016%; no homozygotes.

Submission:

Labcorp Genetics (formerly Invitae), Labcorp
Classification: Uncertain significance. Last evaluated: 2021-11-03. Review status: criteria provided, single submitter. Criteria: Invitae Variant Classification Sherloc (09022015). Collection method: clinical testing. Allele origin: germline.
Comment: This sequence change replaces alanine, which is neutral and non-polar, with threonine, which is neutral and polar, at codon 1316 of the COL18A1 protein (p.Ala1316Thr). This variant is present in population databases (rs766483637, gnomAD 0.004%). This variant has not been reported in the literature in individuals affected with COL18A1-related conditions. Experimental studies and prediction algorithms are not available or were not evaluated, and the functional significance of this variant is currently unknown. In summary, the available evidence is currently insufficient to determine the role of this variant in disease. Therefore, it has been classified as a Variant of Uncertain Significance.

NM_001379500.1(COL18A1):c.3955G>A (p.Ala1319Thr)

Genes: COL18A1 (collagen type XVIII alpha 1 chain; plus strand), SLC19A1 (solute carrier family 19 member 1; minus strand). Cytogenetic location: 21q22.3.
Variant type: single nucleotide variant.
Coding change: c.3955G>A on transcript NM_001379500.1 (MANE Select); coding-DNA position 3955, G replaced by A.
Protein change: p.Ala1319Thr; replaces alanine 1319 with threonine.
Molecular consequence: missense variant.
Genome position (GRCh38, 1-based): chr21:45,512,333, G>A. VCF-style: chr21-45512333-G-A. GRCh37 (hg19) VCF-style: chr21-46932247-G-A.
Other names: c.4486G>A, p.Ala1496Thr (NM_030582.4); c.5191G>A, p.Ala1731Thr (NM_130444.3); short protein forms A1319T, A1731T, A1496T.
Identifiers: ClinVar variation 1503999 (VCV001503999.3), dbSNP rs766483637, ClinGen allele CA10068146.